The following is an entry in ClinVar:

ClinVar aggregate classification (germline): Benign. Review status: criteria provided, multiple submitters, no conflicts (2 of 4 stars). 2 submissions from 2 submitters: Benign (2). Last evaluated 2018-01-13.

Conditions:
Congenital disorder of glycosylation (CDG). Also called: Carbohydrate-deficient glycoprotein syndrome; Congenital disorders of glycosylation. Identifiers: Orphanet 137, MedGen C0282577, MONDO:0015286.

Allele frequency attached by ClinVar (database versions not stated): 1000 Genomes Project 30x 0.04638; 1000 Genomes Project 0.04692; TOPMed 0.06882; gnomAD 0.07012 and 0.07014.

Submissions (2):

Illumina Laboratory Services, Illumina
Classification: Benign for Congenital disorder of glycosylation. Last evaluated: 2018-01-13. Review status: criteria provided, single submitter. Criteria: ICSL Variant Classification Criteria 13 December 2019. Collection method: clinical testing. Allele origin: germline.
Comment: This variant was observed in the ICSL laboratory as part of a predisposition screen in an ostensibly healthy population. It had not been previously curated by ICSL or reported in the Human Gene Mutation Database (HGMD: prior to June 1st, 2018), and was therefore a candidate for classification through an automated scoring system. Utilizing variant allele frequency, disease prevalence and penetrance estimates, and inheritance mode, an automated score was calculated to assess if this variant is too frequent to cause the disease. Based on the score and internal cut-off values, a variant classified as benign is not then subjected to further curation. The score for this variant resulted in a classification of benign for this disease.

Breakthrough Genomics
Classification: Benign. Review status: criteria provided, single submitter. Criteria: ACMG Guidelines, 2015. Collection method: not provided. Allele origin: germline. Inheritance: Autosomal recessive inheritance. Affected: yes.

NM_006765.4(TUSC3):c.*1288G>A

Gene: TUSC3 (tumor suppressor candidate 3; plus strand). Cytogenetic location: 8p22.
Variant type: single nucleotide variant.
Coding change: c.*1288G>A on transcript NM_006765.4 (MANE Select); 1288 bases downstream of the stop codon, G replaced by A.
Molecular consequence: 3 prime UTR variant.
Genome position (GRCh38, 1-based): chr8:15,765,444, G>A. VCF-style: chr8-15765444-G-A. GRCh37 (hg19) VCF-style: chr8-15622953-G-A.
Other names: c.*1226G>A (NM_178234.2).
Identifiers: ClinVar variation 362330 (VCV000362330.6), dbSNP rs79587346, ClinGen allele CA10630566.